The following is an entry in ClinVar:

ClinVar aggregate classification (germline): Uncertain significance (1 of 4 stars; one submission).

gnomAD v4.1: 1 of 1,614,096 alleles (0.000062%); highest among the groups gnomAD compares: Admixed American, 0.0017%; no homozygotes.

Submission:

Labcorp Genetics (formerly Invitae), Labcorp
Classification: Uncertain significance. Last evaluated: 2025-06-19. Review status: criteria provided, single submitter. Criteria: Invitae Variant Classification Sherloc (09022015). Collection method: clinical testing. Allele origin: germline.
Comment: This sequence change replaces serine, which is neutral and polar, with tyrosine, which is neutral and polar, at codon 2827 of the VCAN protein (p.Ser2827Tyr). This variant is not present in population databases (gnomAD no frequency). This variant has not been reported in the literature in individuals affected with VCAN-related conditions. An algorithm developed to predict the effect of missense changes on protein structure and function (PolyPhen-2) suggests that this variant is likely to be tolerated. In summary, the available evidence is currently insufficient to determine the role of this variant in disease. Therefore, it has been classified as a Variant of Uncertain Significance.

NM_004385.5(VCAN):c.8480C>A (p.Ser2827Tyr)

Genes: VCAN (versican; plus strand), VCAN-AS1 (VCAN antisense RNA 1; minus strand). Cytogenetic location: 5q14.3.
Variant type: single nucleotide variant.
Coding change: c.8480C>A on transcript NM_004385.5 (MANE Select); coding-DNA position 8480, C replaced by A.
Protein change: p.Ser2827Tyr; replaces serine 2827 with tyrosine.
Molecular consequence: missense variant. On other transcripts: intron variant (2).
Genome position (GRCh38, 1-based): chr5:83,541,483, C>A. VCF-style: chr5-83541483-C-A. GRCh37 (hg19) VCF-style: chr5-82837302-C-A.
Other names: c.5519C>A, p.Ser1840Tyr (NM_001164097.2); c.4004-4054C>A (NM_001164098.2); c.1043-4054C>A (NM_001126336.3); short protein forms S1840Y, S2827Y.
Identifiers: ClinVar variation 4701514 (VCV004701514.1).